The following is an entry in ClinVar:

ClinVar aggregate classification (germline): Uncertain significance. Review status: criteria provided, multiple submitters, no conflicts (2 of 4 stars). 2 submissions from 2 submitters: Uncertain significance (2). Last evaluated 2024-07-02.

Conditions:
Epidermolysis bullosa simplex, Ogna type (EBS5A). Also called: Pidermolysis bullosa simplex 5A, Ogna type; EPIDERMOLYSIS BULLOSA SIMPLEX 5A, OGNA TYPE. Identifiers: Orphanet 79401, MedGen C0432317, MONDO:0007555, OMIM 131950.
Epidermolysis bullosa simplex 5C, with pyloric atresia (EBS5C). Also called: PLEC1-Related Epidermolysis Bullosa with Pyloric Atresia; PLEC-Related Epidermolysis Bullosa with Pyloric Atresia; Epidermolysis bullosa simplex with pyloric atresia. Identifiers: Orphanet 158684, MedGen C2677349, MONDO:0012807, OMIM 612138.
Epidermolysis bullosa simplex 5B, with muscular dystrophy (EBS5B). Also called: Epidermolysis bullosa simplex with muscular dystrophy; EPIDERMOLYSIS BULLOSA SIMPLEX AND LIMB-GIRDLE MUSCULAR DYSTROPHY. Identifiers: Orphanet 257, MedGen C2931072, MONDO:0009181, OMIM 226670.
Epidermolysis bullosa simplex with nail dystrophy (EBS5D). Identifiers: MedGen C4225309, MONDO:0014661, OMIM 616487.
Autosomal recessive limb-girdle muscular dystrophy type 2Q (LGMDR17). Also called: MUSCULAR DYSTROPHY, LIMB-GIRDLE, AUTOSOMAL RECESSIVE 17. Identifiers: Orphanet 254361, MedGen C3150989, MONDO:0013390, OMIM 613723.

Allele frequency attached by ClinVar (database versions not stated): gnomAD 0.00001 and 0.00003; gnomAD exomes 0.00002; TOPMed 0.00002; ExAC 0.00004.
gnomAD v4.1: 30 of 1,587,552 alleles (0.0019%); highest among the groups gnomAD compares: East Asian, 0.0045%; no homozygotes.

Submissions (2):

Labcorp Genetics (formerly Invitae), Labcorp
Classification: Uncertain significance for Autosomal recessive limb-girdle muscular dystrophy type 2Q; Epidermolysis bullosa simplex, Ogna type; Epidermolysis bullosa simplex with nail dystrophy; Epidermolysis bullosa simplex 5C, with pyloric atresia; Epidermolysis bullosa simplex 5B, with muscular dystrophy. Last evaluated: 2024-07-02. Review status: criteria provided, single submitter. Criteria: Invitae Variant Classification Sherloc (09022015). Collection method: clinical testing. Allele origin: germline.
Comment: This sequence change replaces serine, which is neutral and polar, with leucine, which is neutral and non-polar, at codon 2059 of the PLEC protein (p.Ser2059Leu). This variant is present in population databases (rs782658240, gnomAD 0.006%). This variant has not been reported in the literature in individuals affected with PLEC-related conditions. ClinVar contains an entry for this variant (Variation ID: 810327). An algorithm developed to predict the effect of missense changes on protein structure and function (PolyPhen-2) suggests that this variant is likely to be tolerated. In summary, the available evidence is currently insufficient to determine the role of this variant in disease. Therefore, it has been classified as a Variant of Uncertain Significance.

CeGaT Center for Human Genetics Tuebingen
Classification: Uncertain significance. Last evaluated: 2018-09-01. Review status: criteria provided, single submitter. Criteria: CeGaT Center For Human Genetics Tuebingen Variant Classification Criteria Version 2. Collection method: clinical testing. Allele origin: germline. Affected: yes. Observed: 1 variant allele.

NM_201384.3(PLEC):c.6095C>T (p.Ser2032Leu)

Gene: PLEC (plectin; minus strand). Cytogenetic location: 8q24.3.
Variant type: single nucleotide variant.
Coding change: c.6095C>T on transcript NM_201384.3 (MANE Select); coding-DNA position 6095, C replaced by T.
Protein change: p.Ser2032Leu; replaces serine 2032 with leucine.
Molecular consequence: missense variant.
Genome position (GRCh38, 1-based): chr8:143,923,834, G>A on the plus strand (C>T on the coding strand, the complement: PLEC is on the minus strand). VCF-style: chr8-143923834-G-A. GRCh37 (hg19) VCF-style: chr8-144998002-G-A.
Other names: c.6176C>T, p.Ser2059Leu (NM_000445.5); c.6053C>T, p.Ser2018Leu (NM_201378.4); c.6029C>T, p.Ser2010Leu (NM_201379.3); c.6506C>T, p.Ser2169Leu (NM_201380.4); c.5999C>T, p.Ser2000Leu (NM_201381.3); c.6095C>T, p.Ser2032Leu (NM_201382.4); c.6107C>T, p.Ser2036Leu (NM_201383.3); short protein forms S2010L, S2018L, S2032L, S2169L, S2000L, S2036L, S2059L.
Identifiers: ClinVar variation 810327 (VCV000810327.44), dbSNP rs782658240, ClinGen allele CA4926112.